The following is an entry in ClinVar:

ClinVar aggregate classification (germline): Uncertain significance (1 of 4 stars; one submission).

Conditions:
Episodic ataxia type 1 (EA1). Also called: ATAXIA, EPISODIC, WITH MYOKYMIA; Episodic ataxia/myokymia syndrome; PAROXYSMAL ATAXIA WITH NEUROMYOTONIA, HEREDITARY; MYOKYMIA WITH PERIODIC ATAXIA. Identifiers: Orphanet 37612, Orphanet 972, MedGen C1719788, MONDO:0008047, OMIM 160120.

Submission:

Labcorp Genetics (formerly Invitae), Labcorp
Classification: Uncertain significance for Episodic ataxia type 1. Last evaluated: 2022-09-27. Review status: criteria provided, single submitter. Criteria: Invitae Variant Classification Sherloc (09022015). Collection method: clinical testing. Allele origin: germline.
Comment: A copy number gain of the genomic region encompassing the full coding sequence of the KCNA1 gene has been identified. The boundaries of this event are unknown as they extend beyond the assayed region for this gene and therefore may encompass additional genes. As the precise location of this event is unknown, it may be in tandem or it may be located elsewhere in the genome. This variant has not been reported in the literature in individuals affected with KCNA1-related conditions. In summary, the available evidence is currently insufficient to determine the role of this variant in disease. Therefore, it has been classified as a Variant of Uncertain Significance.

NC_000012.11:g.(?_4368352)_(5155155_?)dup

Genes: AKAP3 (A-kinase anchoring protein 3; minus strand), CCND2 (cyclin D2; plus strand), DYRK4 (dual specificity tyrosine phosphorylation regulated kinase 4; plus strand), FERRY3 (FERRY endosomal RAB5 effector complex subunit 3; minus strand), FGF23 (fibroblast growth factor 23; minus strand) and 8 more. Cytogenetic location: 12p13.32.
Variant type: Duplication.
Identifiers: ClinVar variation 2422593 (VCV002422593.3).